The following is an entry in ClinVar:

ClinVar aggregate classification (germline): Uncertain significance (1 of 4 stars; one submission).

Conditions:
Fanconi anemia (FA). Also called: Fanconi's anemia. Identifiers: Orphanet 84, MedGen C0015625, MeSH D005199, MONDO:0019391.

gnomAD v4.1: 1 of 1,614,196 alleles (0.000062%); highest among the groups gnomAD compares: Non-Finnish European, 0.000085%; no homozygotes.

Submission:

Labcorp Genetics (formerly Invitae), Labcorp
Classification: Uncertain significance for Fanconi anemia. Last evaluated: 2022-06-14. Review status: criteria provided, single submitter. Criteria: Invitae Variant Classification Sherloc (09022015). Collection method: clinical testing. Allele origin: germline.
Comment: In summary, the available evidence is currently insufficient to determine the role of this variant in disease. Therefore, it has been classified as a Variant of Uncertain Significance. Algorithms developed to predict the effect of missense changes on protein structure and function (SIFT, PolyPhen-2, Align-GVGD) all suggest that this variant is likely to be tolerated. This variant has not been reported in the literature in individuals affected with SLX4-related conditions. This variant is not present in population databases (gnomAD no frequency). This sequence change replaces threonine, which is neutral and polar, with isoleucine, which is neutral and non-polar, at codon 1484 of the SLX4 protein (p.Thr1484Ile).

NM_032444.4(SLX4):c.4451C>T (p.Thr1484Ile)

Gene: SLX4 (SLX4 structure-specific endonuclease subunit; minus strand). Cytogenetic location: 16p13.3.
Variant type: single nucleotide variant.
Coding change: c.4451C>T on transcript NM_032444.4 (MANE Select); coding-DNA position 4451, C replaced by T.
Protein change: p.Thr1484Ile; replaces threonine 1484 with isoleucine.
Molecular consequence: missense variant.
Genome position (GRCh38, 1-based): chr16:3,589,187, G>A on the plus strand (C>T on the coding strand, the complement: SLX4 is on the minus strand). VCF-style: chr16-3589187-G-A. GRCh37 (hg19) VCF-style: chr16-3639188-G-A.
Other names: short protein forms T1484I.
Identifiers: ClinVar variation 1945388 (VCV001945388.5), dbSNP rs2151121205, ClinGen allele CA394517116.